The following is an entry in ClinVar:

ClinVar aggregate classification (germline): Pathogenic (1 of 4 stars; one submission).

Conditions:
Developmental and epileptic encephalopathy, 27 (DEE27). Also called: Epileptic encephalopathy, early infantile, 27; GRIN2B-Related Neurodevelopmental Disorder. Identifiers: Orphanet 3451, MedGen C4015316, MONDO:0014505, OMIM 616139.
Intellectual developmental disorder, autosomal dominant 6, with or without seizures. Also called: Intellectual disability, autosomal dominant 6; GRIN2B-related developmental delay, intellectual disability and autism spectrum disorder. Identifiers: Orphanet 589547, MedGen C3151411, MONDO:0013509, OMIM 613970.

Submission:

Labcorp Genetics (formerly Invitae), Labcorp
Classification: Pathogenic for Developmental and epileptic encephalopathy, 27; Intellectual developmental disorder, autosomal dominant 6, with or without seizures. Last evaluated: 2025-12-01. Review status: criteria provided, single submitter. Criteria: Invitae Variant Classification Sherloc (09022015). Collection method: clinical testing. Allele origin: germline.
Comment: This sequence change creates a premature translational stop signal (p.Val714Glufs*8) in the GRIN2B gene. It is expected to result in an absent or disrupted protein product. Loss-of-function variants in GRIN2B are known to be pathogenic (PMID: 28377535). This variant is not present in population databases (gnomAD no frequency). This variant has not been reported in the literature in individuals affected with GRIN2B-related conditions. Algorithms developed to predict the effect of sequence changes on RNA splicing suggest that this variant may disrupt the consensus splice site. For these reasons, this variant has been classified as Pathogenic.

Literature cited by the submitters: PubMed 28377535.

NM_000834.5(GRIN2B):c.2141del (p.Val714fs)

Gene: GRIN2B (glutamate ionotropic receptor NMDA type subunit 2B; minus strand). Cytogenetic location: 12p13.1.
Variant type: Deletion.
Coding change: c.2141del on transcript NM_000834.5 (MANE Select); coding-DNA position 2141, one base deleted (T; older notation c.2141delT).
Protein change: p.Val714fs; shifts the reading frame from valine 714.
Molecular consequence: frameshift variant.
Genome position (GRCh38, 1-based): chr12:13,571,834, A deleted on the plus strand (T on the coding strand, the reverse complement: GRIN2B is on the minus strand). VCF-style (leftmost placement, unchanged base first): chr12-13571833-TA-T. GRCh37 (hg19) VCF-style: chr12-13724767-TA-T.
Other names: c.2141del, p.Val714fs (NM_001413992.1); short protein forms V714fs.
Identifiers: ClinVar variation 4786868 (VCV004786868.1).